The following is an entry in ClinVar:

NM_000489.6(ATRX):c.7233C>T (p.Asn2411=)

Gene: ATRX (ATRX chromatin remodeler; minus strand). Cytogenetic location: Xq21.1.
Variant type: single nucleotide variant.
Coding change: c.7233C>T on transcript NM_000489.6 (MANE Select); coding-DNA position 7233, C replaced by T.
Protein change: p.Asn2411=; no amino-acid change (asparagine 2411 retained).
Molecular consequence: synonymous variant.
Genome position (GRCh38, 1-based): chrX:77,508,597, G>A on the plus strand (C>T on the coding strand, the complement: ATRX is on the minus strand). VCF-style: chrX-77508597-G-A. GRCh37 (hg19) VCF-style: chrX-76764075-G-A.
Other names: c.7119C>T, p.Asn2373= (NM_138270.5).
Identifiers: ClinVar variation 515486 (VCV000515486.1), dbSNP rs1557034927, ClinGen allele CA517374192.

ClinVar aggregate classification (germline): Likely benign (1 of 4 stars; one submission).

Submission:

GeneDx
Classification: Likely benign. Last evaluated: 2018-02-20. Review status: criteria provided, single submitter. Criteria: GeneDx Variant Classification (06012015). Collection method: clinical testing. Allele origin: germline. Affected: yes.
Comment: This variant is considered likely benign or benign based on one or more of the following criteria: it is a conservative change, it occurs at a poorly conserved position in the protein, it is predicted to be benign by multiple in silico algorithms, and/or has population frequency not consistent with disease.